The following is an entry in ClinVar:

Conditions:
Breast-ovarian cancer, familial, susceptibility to, 1 (BROVCA1). Also called: BRCA1 Hereditary Breast and Ovarian Cancer; OVARIAN CANCER, SUSCEPTIBILITY TO. Identifiers: Orphanet 145, MedGen C2676676, MONDO:0011450, OMIM 604370. Disease mechanism: loss of function.

Submission:

Brotman Baty Institute, University of Washington
No classification provided (evidence only). Condition: Breast-ovarian cancer, familial 1. Review status: no classification provided. Collection method: in vitro. Allele origin: not applicable. Functional consequence: functionally_normal.
ClinVar note: "not provided" was previously submitted as the classification for the variant. However, the classification appeared to be based only on an observation of functional data so it was converted to no classification on 2025-07-30.

NM_007294.4(BRCA1):c.5277+8T>G

Gene: BRCA1 (BRCA1 DNA repair associated; minus strand). Cytogenetic location: 17q21.31.
Variant type: single nucleotide variant.
Coding change: c.5277+8T>G on transcript NM_007294.4 (MANE Select); 8 bases into the intron after coding-DNA position 5277, T replaced by G.
Molecular consequence: intron variant.
Genome position (GRCh38, 1-based): chr17:43,057,044, A>C on the plus strand (T>G on the coding strand, the complement: BRCA1 is on the minus strand). VCF-style: chr17-43057044-A-C. GRCh37 (hg19) VCF-style: chr17-41209061-A-C.
Other names: c.1824+8T>G (NM_001408458.1, NM_001408461.1, NM_001408464.1 and 7 more transcripts); c.4386+8T>G (NM_001407967.1); c.4896+8T>G (NM_001407959.1); c.5010+8T>G (NM_001407931.1, NM_001407932.1, NM_001407928.1 and 4 more transcripts); c.5133+8T>G (NM_001407747.1, NM_001407745.1, NM_001407737.1 and 21 more transcripts); c.4893+8T>G (NM_001407962.1, NM_001407960.1); c.1464+8T>G (NM_001408512.1); c.1587+8T>G (NM_001408510.1); and 72 more.
Identifiers: ClinVar variation 867928 (VCV000867928.3), dbSNP rs2051493505, ClinGen allele CA916081121.
Genomic context (GRCh38, chr17:43,057,044, plus strand): 5'-CTGCAAAGGGGAGTGGAATACAGAGTGGTGGGGTGAGATTTTTGTCAACTTGAGGGAGGG[A>C]GCTTTACCTTTCTGTCCTGGGATTCTCTTGCTCGCTTTGGACCTTGGTGGTTTCTTCCAT-3'